The following is an entry in ClinVar:

NM_201599.3(ZMYM3):c.4081C>T (p.Leu1361=)

Gene: ZMYM3 (zinc finger MYM-type containing 3; minus strand). Cytogenetic location: Xq13.1.
Variant type: single nucleotide variant.
Coding change: c.4081C>T on transcript NM_201599.3 (MANE Select); coding-DNA position 4081, C replaced by T.
Protein change: p.Leu1361=; no amino-acid change (leucine 1361 retained).
Molecular consequence: synonymous variant.
Genome position (GRCh38, 1-based): chrX:71,240,948, G>A on the plus strand (C>T on the coding strand, the complement: ZMYM3 is on the minus strand). VCF-style: chrX-71240948-G-A. GRCh37 (hg19) VCF-style: chrX-70460798-G-A.
Other names: c.4045C>T, p.Leu1349= (NM_001171162.1); c.4081C>T, p.Leu1361= (NM_005096.3).
Identifiers: ClinVar variation 3047138 (VCV003047138.2), dbSNP rs140177072, ClinGen allele CA10445370.

ClinVar aggregate classification (germline): Likely benign (0 of 4 stars; one submission).

Conditions:
ZMYM3-related disorder. Also called: ZMYM3-related condition.

Allele frequency attached by ClinVar (database versions not stated): TOPMed 0.00044; ESP Exome Variant Server 0.00057; ExAC 0.00015; 1000 Genomes Project 0.00026; 1000 Genomes Project 30x 0.00042; gnomAD 0.00043.
gnomAD v4.1: 94 of 1,209,592 alleles (0.0078%); highest among the groups gnomAD compares: African/African-American, 0.12%; no homozygotes.

Submission:

PreventionGenetics, part of Exact Sciences
Classification: Likely benign for ZMYM3-related condition. Last evaluated: 2019-02-22. Review status: no assertion criteria provided. Collection method: clinical testing. Allele origin: germline.
Comment: This variant is classified as likely benign based on ACMG/AMP sequence variant interpretation guidelines (Richards et al. 2015 PMID: 25741868, with internal and published modifications).